The following is an entry in ClinVar:

ClinVar aggregate classification (germline): Pathogenic (1 of 4 stars; one submission).

Submission:

Labcorp Genetics (formerly Invitae), Labcorp
Classification: Pathogenic. Last evaluated: 2022-02-19. Review status: criteria provided, single submitter. Criteria: Invitae Variant Classification Sherloc (09022015). Collection method: clinical testing. Allele origin: germline.
Comment: For these reasons, this variant has been classified as Pathogenic. This variant has not been reported in the literature in individuals affected with ERCC6-related conditions. This variant is not present in population databases (gnomAD no frequency). This sequence change creates a premature translational stop signal (p.Tyr452*) in the ERCC6 gene. It is expected to result in an absent or disrupted protein product. Loss-of-function variants in ERCC6 are known to be pathogenic (PMID: 18628313, 29572252).

Literature cited by the submitters: PubMed 18628313; PubMed 29572252.

NM_000124.4(ERCC6):c.1356C>A (p.Tyr452Ter)

Genes: ERCC6 (ERCC excision repair 6, chromatin remodeling factor; minus strand), PGBD3 (piggyBac transposable element derived 3; minus strand). Cytogenetic location: 10q11.23.
Variant type: single nucleotide variant.
Coding change: c.1356C>A on transcript NM_000124.4 (MANE Select); coding-DNA position 1356, C replaced by A.
Protein change: p.Tyr452Ter; replaces tyrosine 452 with a stop codon.
Molecular consequence: nonsense. On other transcripts: 5 prime UTR variant (1).
Genome position (GRCh38, 1-based): chr10:49,524,074, G>T on the plus strand (C>A on the coding strand, the complement: ERCC6 is on the minus strand). VCF-style: chr10-49524074-G-T. GRCh37 (hg19) VCF-style: chr10-50732120-G-T.
Other names: c.1356C>A, p.Tyr452Ter (NM_001277058.2, NM_001277059.2, NM_001346440.2); c.-49C>A (NM_170753.3); short protein forms Y452*.
Identifiers: ClinVar variation 2099338 (VCV002099338.4), dbSNP rs2496137574, ClinGen allele CA376751965.